The following is an entry in ClinVar:

NM_001354604.2(MITF):c.*24G>A

Gene: MITF (melanocyte inducing transcription factor; plus strand). Cytogenetic location: 3p13.
Variant type: single nucleotide variant.
Coding change: c.*24G>A on transcript NM_001354604.2 (MANE Select); 24 bases downstream of the stop codon, G replaced by A.
Molecular consequence: 3 prime UTR variant.
Genome position (GRCh38, 1-based): chr3:69,965,272, G>A. VCF-style: chr3-69965272-G-A. GRCh37 (hg19) VCF-style: chr3-70014423-G-A.
Other names: c.*24G>A (NM_000248.4, NM_001184967.2, NM_001354605.2 and 8 more transcripts).
Identifiers: ClinVar variation 903024 (VCV000903024.4), dbSNP rs375847754, ClinGen allele CA2490710.

ClinVar aggregate classification (germline): Benign. Review status: criteria provided, single submitter (1 of 4 stars). 2 submissions from 1 submitter: Benign (2). Last evaluated 2018-01-13.

Conditions:
Tietz syndrome (TADS). Also called: ALBINISM-DEAFNESS OF TIETZ; HYPOPIGMENTATION/DEAFNESS OF TIETZ; TIETZ ALBINISM-DEAFNESS SYNDROME. Identifiers: Orphanet 42665, MedGen C0391816, MONDO:0007077, OMIM 103500.
Waardenburg syndrome type 2A (WS2A). Also called: WAARDENBURG SYNDROME WITHOUT DYSTOPIA CANTHORUM. Identifiers: Orphanet 3440, MedGen C1860339, MONDO:0008671, OMIM 193510.

Allele frequency attached by ClinVar (database versions not stated): ESP Exome Variant Server 0.00008; TOPMed 0.00009; ExAC 0.00031.
gnomAD v4.1: 197 of 1,605,868 alleles (0.012%); highest among the groups gnomAD compares: Admixed American, 0.11%; 1 homozygote.

Submissions (2):

Illumina Laboratory Services, Illumina
Classification: Benign for Waardenburg syndrome type 2A. Last evaluated: 2018-01-13. Review status: criteria provided, single submitter. Criteria: ICSL Variant Classification Criteria 13 December 2019. Collection method: clinical testing. Allele origin: germline.
Comment: This variant was observed in the ICSL laboratory as part of a predisposition screen in an ostensibly healthy population. It had not been previously curated by ICSL or reported in the Human Gene Mutation Database (HGMD: prior to June 1st, 2018), and was therefore a candidate for classification through an automated scoring system. Utilizing variant allele frequency, disease prevalence and penetrance estimates, and inheritance mode, an automated score was calculated to assess if this variant is too frequent to cause the disease. Based on the score and internal cut-off values, a variant classified as benign is not then subjected to further curation. The score for this variant resulted in a classification of benign for this disease.

Illumina Laboratory Services, Illumina
Classification: Benign for Tietz syndrome. Last evaluated: 2018-01-13. Review status: criteria provided, single submitter. Criteria: ICSL Variant Classification Criteria 13 December 2019. Collection method: clinical testing. Allele origin: germline.
Comment: the same text as in the submission from Illumina Laboratory Services, Illumina above.